The following is an entry in ClinVar:

NM_017934.7(PHIP):c.901G>C (p.Asp301His)

Gene: PHIP (PHIP subunit of CUL4-Ring ligase complex; minus strand). Cytogenetic location: 6q14.1.
Variant type: single nucleotide variant.
Coding change: c.901G>C on transcript NM_017934.7 (MANE Select); coding-DNA position 901, G replaced by C.
Protein change: p.Asp301His; replaces aspartic acid 301 with histidine.
Molecular consequence: missense variant.
Genome position (GRCh38, 1-based): chr6:79,025,541, C>G on the plus strand (G>C on the coding strand, the complement: PHIP is on the minus strand). VCF-style: chr6-79025541-C-G. GRCh37 (hg19) VCF-style: chr6-79735258-C-G.
Other names: short protein forms D301H.
Identifiers: ClinVar variation 4685203 (VCV004685203.1).

ClinVar aggregate classification (germline): Uncertain significance (1 of 4 stars; one submission).

gnomAD v4.1: 1 of 1,606,292 alleles (0.000062%); no homozygotes.

Submission:

GeneDx
Classification: Uncertain significance. Last evaluated: 2025-07-01. Review status: criteria provided, single submitter. Criteria: GeneDx Variant Classification Process June 2021. Collection method: clinical testing. Allele origin: germline. Affected: yes.
Comment: Not observed at significant frequency in large population cohorts (gnomAD); In silico analysis supports that this missense variant has a deleterious effect on protein structure/function; Has not been previously published as pathogenic or benign to our knowledge